The following is an entry in ClinVar:

NM_000709.4(BCKDHA):c.454G>A (p.Asp152Asn)

Gene: BCKDHA (branched chain keto acid dehydrogenase E1 subunit alpha; plus strand). Cytogenetic location: 19q13.2.
Variant type: single nucleotide variant.
Coding change: c.454G>A on transcript NM_000709.4 (MANE Select); coding-DNA position 454, G replaced by A.
Protein change: p.Asp152Asn; replaces aspartic acid 152 with asparagine.
Molecular consequence: missense variant.
Genome position (GRCh38, 1-based): chr19:41,414,127, G>A. VCF-style: chr19-41414127-G-A. GRCh37 (hg19) VCF-style: chr19-41920032-G-A.
Other names: c.454G>A, p.Asp152Asn (NM_001164783.2); short protein forms D152N.
Identifiers: ClinVar variation 1685566 (VCV001685566.9), dbSNP rs2122122610, ClinGen allele CA406008194.

ClinVar aggregate classification (germline): Pathogenic/Likely pathogenic. Review status: criteria provided, multiple submitters, no conflicts (2 of 4 stars). 4 submissions from 4 submitters: Pathogenic (1); Likely pathogenic (3). Last evaluated 2025-09-12.

Conditions:
Maple syrup urine disease type 1A (MSUD1A). Also called: MSUD type 1A. Identifiers: MedGen C1855369, MONDO:0023691, OMIM 248600.
Maple syrup urine disease (MSUD). Identifiers: Orphanet 511, MedGen C0024776, MeSH D008375, MONDO:0009563. Disease mechanism: loss of function.

Submissions (4):

Dasa
Classification: Likely pathogenic. Last evaluated: 2025-09-12. Review status: criteria provided, single submitter. Criteria: DASA Assertion Criteria. Collection method: clinical testing. Allele origin: germline.
Comment: NM_000709.4(BCKDHA):c.454G>A (p.Asp152Asn) is a missense variant that results in the substitution of aspartic acid with asparagine. The affected residue or protein region has prior evidence supporting clinical relevance. This variant has been recurrently observed in individuals with BCKDHA-related disorders (PMID: 18378174; PMID: 33131499). Also, this variant is absent from population databases. Computational evidence supports a deleterious effect. Based on the currently available evidence, this variant is classified as likely pathogenic.

Labcorp Genetics (formerly Invitae), Labcorp
Classification: Likely pathogenic for Maple syrup urine disease. Last evaluated: 2025-02-24. Review status: criteria provided, single submitter. Criteria: Invitae Variant Classification Sherloc (09022015). Collection method: clinical testing. Allele origin: germline.
Comment: This sequence change replaces aspartic acid, which is acidic and polar, with asparagine, which is neutral and polar, at codon 152 of the BCKDHA protein (p.Asp152Asn). This variant is not present in population databases (gnomAD no frequency). This missense change has been observed in individuals with maple syrup urine disease (PMID: 18378174; internal data). ClinVar contains an entry for this variant (Variation ID: 1685566). Invitae Evidence Modeling of protein sequence and biophysical properties (such as structural, functional, and spatial information, amino acid conservation, physicochemical variation, residue mobility, and thermodynamic stability) indicates that this missense variant is expected to disrupt BCKDHA protein function with a positive predictive value of 95%. In summary, the currently available evidence indicates that the variant is pathogenic, but additional data are needed to prove that conclusively. Therefore, this variant has been classified as Likely Pathogenic.

Fulgent Genetics
Classification: Likely pathogenic for Maple syrup urine disease type 1A. Last evaluated: 2024-02-15. Review status: criteria provided, single submitter. Criteria: ACMG Guidelines, 2015. Collection method: clinical testing. Allele origin: germline.

Mendelics
Classification: Pathogenic for Maple syrup urine disease type 1A. Last evaluated: 2022-05-04. Review status: criteria provided, single submitter. Criteria: Mendelics Assertion Criteria 2019. Collection method: clinical testing. Allele origin: germline.

Literature cited by the submitters: PubMed 18378174 (cited by Dasa and Labcorp Genetics (formerly Invitae), Labcorp); PubMed 39270351 (cited by Dasa); PubMed 33131499 (cited by Dasa).